The following is an entry in ClinVar:

NM_018062.4(FANCL):c.287A>G (p.Lys96Arg)

Gene: FANCL (FA complementation group L; minus strand). Cytogenetic location: 2p16.1.
Variant type: single nucleotide variant.
Coding change: c.287A>G on transcript NM_018062.4 (MANE Select); coding-DNA position 287, A replaced by G.
Protein change: p.Lys96Arg; replaces lysine 96 with arginine.
Molecular consequence: missense variant.
Genome position (GRCh38, 1-based): chr2:58,222,029, T>C on the plus strand (A>G on the coding strand, the complement: FANCL is on the minus strand). VCF-style: chr2-58222029-T-C. GRCh37 (hg19) VCF-style: chr2-58449164-T-C.
Other names: c.287A>G, p.Lys96Arg (NM_001114636.2, NM_001374615.1, NM_001410792.1); short protein forms K96R.
Identifiers: ClinVar variation 2770900 (VCV002770900.3), dbSNP rs2467427566, ClinGen allele CA347034558.

ClinVar aggregate classification (germline): Uncertain significance (1 of 4 stars; one submission).

Conditions:
Fanconi anemia (FA). Also called: Fanconi's anemia. Identifiers: Orphanet 84, MedGen C0015625, MeSH D005199, MONDO:0019391.

Submission:

Labcorp Genetics (formerly Invitae), Labcorp
Classification: Uncertain significance for Fanconi anemia. Last evaluated: 2023-12-22. Review status: criteria provided, single submitter. Criteria: Invitae Variant Classification Sherloc (09022015). Collection method: clinical testing. Allele origin: germline.
Comment: This sequence change replaces lysine, which is basic and polar, with arginine, which is basic and polar, at codon 96 of the FANCL protein (p.Lys96Arg). This variant is not present in population databases (gnomAD no frequency). This variant has not been reported in the literature in individuals affected with FANCL-related conditions. Advanced modeling of protein sequence and biophysical properties (such as structural, functional, and spatial information, amino acid conservation, physicochemical variation, residue mobility, and thermodynamic stability) performed at Invitae indicates that this missense variant is not expected to disrupt FANCL protein function with a negative predictive value of 80%. In summary, the available evidence is currently insufficient to determine the role of this variant in disease. Therefore, it has been classified as a Variant of Uncertain Significance.